The following is an entry in ClinVar:

ClinVar aggregate classification (germline): Uncertain significance (1 of 4 stars; one submission).

Conditions:
Paroxysmal nonkinesigenic dyskinesia 1 (PNKD1). Also called: Nonkinesigenic choreoathetosis; Familial paroxysmal choreoathetosis; PAROXYSMAL DYSTONIC CHOREOATHETOSIS; PxMD-PNKD; Familial Paroxysmal Nonkinesigenic Dyskinesia; MOUNT-REBACK SYNDROME. Identifiers: Orphanet 98810, MedGen C4551506, MONDO:0700089, OMIM 118800, MONDO:0007326.
Paroxysmal nonkinesigenic dyskinesia. Also called: Paroxysmal non-kinesigenic dyskinesia. Identifiers: Orphanet 98810, MedGen C1869117, MONDO:0700088.

gnomAD v4.1: 22 of 1,613,964 alleles (0.0014%); highest among the groups gnomAD compares: South Asian, 0.023%; no homozygotes.

Submission:

Labcorp Genetics (formerly Invitae), Labcorp
Classification: Uncertain significance for Paroxysmal nonkinesigenic dyskinesia. Last evaluated: 2025-10-17. Review status: criteria provided, single submitter. Criteria: Invitae Variant Classification Sherloc (09022015). Collection method: clinical testing. Allele origin: germline.
Comment: This sequence change replaces isoleucine, which is neutral and non-polar, with methionine, which is neutral and non-polar, at codon 136 of the PNKD protein (p.Ile136Met). This variant is present in population databases (rs763052723, gnomAD 0.02%). This variant has not been reported in the literature in individuals affected with PNKD-related conditions. ClinVar contains an entry for this variant (Variation ID: 1042649). Invitae Evidence Modeling of protein sequence and biophysical properties (such as structural, functional, and spatial information, amino acid conservation, physicochemical variation, residue mobility, and thermodynamic stability) indicates that this missense variant is not expected to disrupt PNKD protein function with a negative predictive value of 80%. In summary, the available evidence is currently insufficient to determine the role of this variant in disease. Therefore, it has been classified as a Variant of Uncertain Significance.

NM_015488.5(PNKD):c.408C>G (p.Ile136Met)

Genes: CATIP-AS2 (CATIP antisense RNA 2; minus strand), PNKD (PNKD metallo-beta-lactamase domain containing; plus strand). Cytogenetic location: 2q35.
Variant type: single nucleotide variant.
Coding change: c.408C>G on transcript NM_015488.5 (MANE Select); coding-DNA position 408, C replaced by G.
Protein change: p.Ile136Met; replaces isoleucine 136 with methionine.
Molecular consequence: missense variant.
Genome position (GRCh38, 1-based): chr2:218,340,084, C>G. VCF-style: chr2-218340084-C-G. GRCh37 (hg19) VCF-style: chr2-219204807-C-G.
Other names: c.336C>G, p.Ile112Met (NM_022572.5); short protein forms I136M, I112M.
Identifiers: ClinVar variation 1042649 (VCV001042649.10), dbSNP rs763052723, ClinGen allele CA2103938.